The following is an entry in ClinVar:

ClinVar aggregate classification (germline): Uncertain significance (1 of 4 stars; one submission).

Conditions:
Hereditary cancer-predisposing syndrome. Also called: Neoplastic Syndromes, Hereditary; Tumor predisposition; Hereditary neoplastic syndrome; Hereditary Cancer Syndrome. Identifiers: Orphanet 140162, MedGen C0027672, MeSH D009386, MONDO:0015356.

Submission:

Ambry Genetics
Classification: Uncertain significance for Hereditary cancer-predisposing syndrome. Last evaluated: 2024-04-29. Review status: criteria provided, single submitter. Criteria: Ambry Variant Classification Scheme 2023. Collection method: clinical testing. Allele origin: germline.
Comment: The p.I723T variant (also known as c.2168T>C), located in coding exon 21 of the RB1 gene, results from a T to C substitution at nucleotide position 2168. The isoleucine at codon 723 is replaced by threonine, an amino acid with similar properties. This amino acid position is conserved. In addition, this alteration is predicted to be tolerated by in silico analysis. Based on the available evidence, the clinical significance of this variant remains unclear.

NM_000321.3(RB1):c.2168T>C (p.Ile723Thr)

Gene: RB1 (RB transcriptional corepressor 1; plus strand). Cytogenetic location: 13q14.2.
Variant type: single nucleotide variant.
Coding change: c.2168T>C on transcript NM_000321.3 (MANE Select); coding-DNA position 2168, T replaced by C.
Protein change: p.Ile723Thr; replaces isoleucine 723 with threonine.
Molecular consequence: missense variant.
Genome position (GRCh38, 1-based): chr13:48,463,792, T>C. VCF-style: chr13-48463792-T-C. GRCh37 (hg19) VCF-style: chr13-49037928-T-C.
Other names: c.2168T>C, p.Ile723Thr (NM_001407165.1); short protein forms I723T.
Identifiers: ClinVar variation 3313051 (VCV003313051.1).